The following is an entry in ClinVar:

ClinVar aggregate classification (germline): Uncertain significance (1 of 4 stars; one submission).

Conditions:
Combined oxidative phosphorylation defect type 17. Also called: Combined oxidative phosphorylation deficiency 17. Identifiers: Orphanet 369913, MedGen C3809526, MONDO:0014190, OMIM 615440.

Allele frequency attached by ClinVar (database versions not stated): ExAC 0.00001; gnomAD exomes 0.00001; TOPMed 0.00001.

Submission:

Labcorp Genetics (formerly Invitae), Labcorp
Classification: Uncertain significance for Combined oxidative phosphorylation defect type 17. Last evaluated: 2022-04-08. Review status: criteria provided, single submitter. Criteria: Invitae Variant Classification Sherloc (09022015). Collection method: clinical testing. Allele origin: germline.
Comment: This sequence change replaces glutamic acid, which is acidic and polar, with lysine, which is basic and polar, at codon 817 of the ELAC2 protein (p.Glu817Lys). This variant is present in population databases (rs766100666, gnomAD 0.005%). This variant has not been reported in the literature in individuals affected with ELAC2-related conditions. Algorithms developed to predict the effect of missense changes on protein structure and function (SIFT, PolyPhen-2, Align-GVGD) all suggest that this variant is likely to be tolerated. In summary, the available evidence is currently insufficient to determine the role of this variant in disease. Therefore, it has been classified as a Variant of Uncertain Significance.

NM_018127.7(ELAC2):c.2449G>A (p.Glu817Lys)

Gene: ELAC2 (elaC ribonuclease Z 2; minus strand). Cytogenetic location: 17p12.
Variant type: single nucleotide variant.
Coding change: c.2449G>A on transcript NM_018127.7 (MANE Select); coding-DNA position 2449, G replaced by A.
Protein change: p.Glu817Lys; replaces glutamic acid 817 with lysine.
Molecular consequence: missense variant.
Genome position (GRCh38, 1-based): chr17:12,992,850, C>T on the plus strand (G>A on the coding strand, the complement: ELAC2 is on the minus strand). VCF-style: chr17-12992850-C-T. GRCh37 (hg19) VCF-style: chr17-12896167-C-T.
Other names: c.2329G>A, p.Glu777Lys (NM_001165962.2); c.2446G>A, p.Glu816Lys (NM_173717.2); short protein forms E777K, E816K, E817K.
Identifiers: ClinVar variation 2082342 (VCV002082342.1), dbSNP rs766100666, ClinGen allele CA8400791.